The following is an entry in ClinVar:

NM_001104.4(ACTN3):c.741G>A (p.Pro247=)

Gene: ACTN3 (actinin alpha 3; plus strand). Cytogenetic location: 11q13.2.
Variant type: single nucleotide variant.
Coding change: c.741G>A on transcript NM_001104.4 (MANE Select); coding-DNA position 741, G replaced by A.
Protein change: p.Pro247=; no amino-acid change (proline 247 retained).
Molecular consequence: synonymous variant.
Genome position (GRCh38, 1-based): chr11:66,556,167, G>A. VCF-style: chr11-66556167-G-A. GRCh37 (hg19) VCF-style: chr11-66323638-G-A.
Other names: c.870G>A, p.Pro290= (NM_001258371.3).
Identifiers: ClinVar variation 3042807 (VCV003042807.3), dbSNP rs371024898, ClinGen allele CA6124442.

ClinVar aggregate classification (germline): Likely benign. Review status: criteria provided, single submitter (1 of 4 stars). 2 submissions from 2 submitters: Likely benign (1). 1 of the submissions does not count toward it. Last evaluated 2023-12-12.

Conditions:
ACTN3-related disorder. Also called: ACTN3-related condition.

Allele frequency attached by ClinVar (database versions not stated): gnomAD 0.00003; gnomAD exomes 0.00003; ExAC 0.00005; TOPMed 0.00007; ESP Exome Variant Server 0.00015.
gnomAD v4.1: 47 of 1,613,652 alleles (0.0029%); highest among the groups gnomAD compares: Middle Eastern, 0.033%; no homozygotes.

Submissions (2):

Blueprint Genetics
Classification: Likely benign. Last evaluated: 2023-12-12. Review status: criteria provided, single submitter. Criteria: ACMG Guidelines, 2015. Collection method: clinical testing. Allele origin: germline.

PreventionGenetics, part of Exact Sciences
Classification: Likely benign for ACTN3-related condition. Last evaluated: 2019-06-19. Review status: no assertion criteria provided. Collection method: clinical testing. Allele origin: germline. Not counted in ClinVar's aggregate classification.
Comment: This variant is classified as likely benign based on ACMG/AMP sequence variant interpretation guidelines (Richards et al. 2015 PMID: 25741868, with internal and published modifications).